The following is an entry in ClinVar:

ClinVar aggregate classification (germline): Uncertain significance (1 of 4 stars; one submission).

Allele frequency attached by ClinVar (database versions not stated): gnomAD exomes below 0.00001; TOPMed below 0.00001.
gnomAD v4.1: 2 of 1,603,874 alleles (0.00012%); highest among the groups gnomAD compares: Non-Finnish European, 0.00017%; no homozygotes.

Submission:

Labcorp Genetics (formerly Invitae), Labcorp
Classification: Uncertain significance. Last evaluated: 2021-11-04. Review status: criteria provided, single submitter. Criteria: Invitae Variant Classification Sherloc (09022015). Collection method: clinical testing. Allele origin: germline.
Comment: In summary, the available evidence is currently insufficient to determine the role of this variant in disease. Therefore, it has been classified as a Variant of Uncertain Significance. Algorithms developed to predict the effect of missense changes on protein structure and function output the following: SIFT: "Tolerated"; PolyPhen-2: "Benign"; Align-GVGD: "Class C0". The valine amino acid residue is found in multiple mammalian species, which suggests that this missense change does not adversely affect protein function. This variant has not been reported in the literature in individuals affected with CEP135-related conditions. This sequence change replaces isoleucine, which is neutral and non-polar, with valine, which is neutral and non-polar, at codon 485 of the CEP135 protein (p.Ile485Val). This variant is not present in population databases (gnomAD no frequency).

NM_025009.5(CEP135):c.1453A>G (p.Ile485Val)

Gene: CEP135 (centrosomal protein 135; plus strand). Cytogenetic location: 4q12.
Variant type: single nucleotide variant.
Coding change: c.1453A>G on transcript NM_025009.5 (MANE Select); coding-DNA position 1453, A replaced by G.
Protein change: p.Ile485Val; replaces isoleucine 485 with valine.
Molecular consequence: missense variant.
Genome position (GRCh38, 1-based): chr4:55,974,949, A>G. VCF-style: chr4-55974949-A-G. GRCh37 (hg19) VCF-style: chr4-56841115-A-G.
Other names: short protein forms I485V.
Identifiers: ClinVar variation 1413654 (VCV001413654.4), dbSNP rs901497814, ClinGen allele CA96960094.
Genomic context (GRCh38, chr4:55,974,949, plus strand): 5'-CAACATATAATACAGCGAAGATCTTGCTCTACAAGTTATAGCGCACGTGAAAAAAGTTCA[A>G]TATTTAGAACACCAGAAAAGGTAATGTCCCTTTATAAGAGTAGGCCAGAAAGTATCTTTA-3'
Protein context (NP_079285.2, residues 475-495): TSYSAREKSS[Ile485Val]FRTPEKGDYN